The following is an entry in ClinVar:

NM_000369.5(TSHR):c.2230A>G (p.Asn744Asp)

Genes: TSHR (thyroid stimulating hormone receptor; plus strand), TSHR-AS1 (TSHR antisense RNA 1; minus strand). Cytogenetic location: 14q31.1.
Variant type: single nucleotide variant.
Coding change: c.2230A>G on transcript NM_000369.5 (MANE Select); coding-DNA position 2230, A replaced by G.
Protein change: p.Asn744Asp; replaces asparagine 744 with aspartic acid.
Molecular consequence: missense variant.
Genome position (GRCh38, 1-based): chr14:81,144,288, A>G. VCF-style: chr14-81144288-A-G. GRCh37 (hg19) VCF-style: chr14-81610632-A-G.
Other names: short protein forms N744D.
Identifiers: ClinVar variation 4975688 (VCV004975688.1).

ClinVar aggregate classification (germline): Uncertain significance (1 of 4 stars; one submission).

Submission:

GeneDx
Classification: Uncertain significance. Last evaluated: 2026-02-01. Review status: criteria provided, single submitter. Criteria: GeneDx Variant Classification Process June 2021. Collection method: clinical testing. Allele origin: germline.
Comment: Not observed at significant frequency in large population cohorts (gnomAD); In silico analysis suggests that this missense variant does not alter protein structure/function; Has not been previously published as pathogenic or benign to our knowledge